The following is an entry in ClinVar:

ClinVar aggregate classification (germline): Uncertain significance (1 of 4 stars; one submission).

Conditions:
POLD1-related polyposis and colorectal cancer syndrome (CRCS10). Also called: Colorectal cancer 10; COLORECTAL CANCER, SUSCEPTIBILITY TO, ON CHROMOSOME 19q; Colorectal cancer, susceptibility to, 10. Identifiers: Orphanet 220460, MedGen C2675481, MONDO:0012953, OMIM 612591.

gnomAD v4.1: 1 of 1,608,356 alleles (0.000062%); highest among the groups gnomAD compares: Non-Finnish European, 0.000085%; no homozygotes.

Submission:

Labcorp Genetics (formerly Invitae), Labcorp
Classification: Uncertain significance for POLD1-related polyposis and colorectal cancer syndrome. Last evaluated: 2024-05-16. Review status: criteria provided, single submitter. Criteria: Invitae Variant Classification Sherloc (09022015). Collection method: clinical testing. Allele origin: germline.
Comment: This sequence change replaces isoleucine, which is neutral and non-polar, with valine, which is neutral and non-polar, at codon 587 of the POLD1 protein (p.Ile587Val). This variant is not present in population databases (gnomAD no frequency). This variant has not been reported in the literature in individuals affected with POLD1-related conditions. Advanced modeling of protein sequence and biophysical properties (such as structural, functional, and spatial information, amino acid conservation, physicochemical variation, residue mobility, and thermodynamic stability) performed at Invitae indicates that this missense variant is expected to disrupt POLD1 protein function with a positive predictive value of 80%. In summary, the available evidence is currently insufficient to determine the role of this variant in disease. Therefore, it has been classified as a Variant of Uncertain Significance.

NM_002691.4(POLD1):c.1759A>G (p.Ile587Val)

Gene: POLD1 (DNA polymerase delta 1, catalytic subunit; plus strand). Cytogenetic location: 19q13.33.
Variant type: single nucleotide variant.
Coding change: c.1759A>G on transcript NM_002691.4 (MANE Select); coding-DNA position 1759, A replaced by G.
Protein change: p.Ile587Val; replaces isoleucine 587 with valine.
Molecular consequence: missense variant. On other transcripts: non-coding transcript variant (1).
Genome position (GRCh38, 1-based): chr19:50,407,399, A>G. VCF-style: chr19-50407399-A-G. GRCh37 (hg19) VCF-style: chr19-50910656-A-G.
Other names: c.1759A>G, p.Ile587Val (NM_001256849.1, NM_001308632.1); short protein forms I587V.
Identifiers: ClinVar variation 3653566 (VCV003653566.2).